The following is an entry in ClinVar:

ClinVar aggregate classification (germline): Uncertain significance. Review status: criteria provided, multiple submitters, no conflicts (2 of 4 stars). 2 submissions from 2 submitters: Uncertain significance (2). Last evaluated 2024-08-19.

Allele frequency attached by ClinVar (database versions not stated): gnomAD 0.00001; TOPMed 0.00001.
gnomAD v4.1: 13 of 1,613,996 alleles (0.00081%); highest among the groups gnomAD compares: South Asian, 0.0011%; no homozygotes.

Submissions (2):

Blueprint Genetics
Classification: Uncertain significance. Last evaluated: 2024-08-19. Review status: criteria provided, single submitter. Criteria: ACMG Guidelines, 2015. Collection method: clinical testing. Allele origin: germline.

Labcorp Genetics (formerly Invitae), Labcorp
Classification: Uncertain significance. Last evaluated: 2022-04-21. Review status: criteria provided, single submitter. Criteria: Invitae Variant Classification Sherloc (09022015). Collection method: clinical testing. Allele origin: germline.
Comment: In summary, the available evidence is currently insufficient to determine the role of this variant in disease. Therefore, it has been classified as a Variant of Uncertain Significance. Algorithms developed to predict the effect of missense changes on protein structure and function (SIFT, PolyPhen-2, Align-GVGD) all suggest that this variant is likely to be disruptive. This variant has not been reported in the literature in individuals affected with IGF1R-related conditions. This variant is present in population databases (rs765988181, gnomAD 0.003%). This sequence change replaces alanine, which is neutral and non-polar, with serine, which is neutral and polar, at codon 1039 of the IGF1R protein (p.Ala1039Ser).

NM_000875.5(IGF1R):c.3115G>T (p.Ala1039Ser)

Gene: IGF1R (insulin like growth factor 1 receptor; plus strand). Cytogenetic location: 15q26.3.
Variant type: single nucleotide variant.
Coding change: c.3115G>T on transcript NM_000875.5 (MANE Select); coding-DNA position 3115, G replaced by T.
Protein change: p.Ala1039Ser; replaces alanine 1039 with serine.
Molecular consequence: missense variant.
Genome position (GRCh38, 1-based): chr15:98,934,982, G>T. VCF-style: chr15-98934982-G-T. GRCh37 (hg19) VCF-style: chr15-99478211-G-T.
Other names: c.3112G>T, p.Ala1038Ser (NM_001291858.2); short protein forms A1038S, A1039S.
Identifiers: ClinVar variation 1961760 (VCV001961760.6), dbSNP rs765988181, ClinGen allele CA7752616.
Genomic context (GRCh38, chr15:98,934,982, plus strand): 5'-AAGGGTGTGGTGAAAGATGAACCTGAAACCAGAGTGGCCATTAAAACAGTGAACGAGGCC[G>T]CAAGCATGCGTGAGAGGATTGAGTTTCTCAACGAAGCTTCTGTGATGAAGGAGTTCAATT-3'
Protein context (NP_000866.1, residues 1029-1049): RVAIKTVNEA[Ala1039Ser]SMRERIEFLN